The following is an entry in ClinVar:

ClinVar aggregate classification (germline): Conflicting classifications of pathogenicity. Review status: criteria provided, conflicting classifications (1 of 4 stars). 2 submissions from 2 submitters: Uncertain significance (1); Likely benign (1). Last evaluated 2023-03-01.

Allele frequency attached by ClinVar (database versions not stated): TOPMed 0.00003; ExAC 0.00004; gnomAD 0.00006; gnomAD exomes 0.00001 and 0.00003.
gnomAD v4.1: 26 of 1,614,044 alleles (0.0016%); highest among the groups gnomAD compares: Middle Eastern, 0.016%; no homozygotes.

Submissions (2):

CeGaT Center for Human Genetics Tuebingen
Classification: Likely benign. Last evaluated: 2023-03-01. Review status: criteria provided, single submitter. Criteria: CeGaT Center For Human Genetics Tuebingen Variant Classification Criteria Version 2. Collection method: clinical testing. Allele origin: germline. Affected: yes. Observed: 1 variant allele.
Comment: TGM6: BP4

Athena Diagnostics
Classification: Uncertain significance. Last evaluated: 2019-05-07. Review status: criteria provided, single submitter. Criteria: Athena Diagnostics Criteria. Collection method: clinical testing. Allele origin: germline.

NM_198994.3(TGM6):c.1303G>A (p.Val435Met)

Gene: TGM6 (transglutaminase 6; plus strand). Cytogenetic location: 20p13.
Variant type: single nucleotide variant.
Coding change: c.1303G>A on transcript NM_198994.3 (MANE Select); coding-DNA position 1303, G replaced by A.
Protein change: p.Val435Met; replaces valine 435 with methionine.
Molecular consequence: missense variant.
Genome position (GRCh38, 1-based): chr20:2,403,790, G>A. VCF-style: chr20-2403790-G-A. GRCh37 (hg19) VCF-style: chr20-2384436-G-A.
Other names: c.1303G>A, p.Val435Met (NM_001254734.2); short protein forms V435M.
Identifiers: ClinVar variation 805656 (VCV000805656.25), dbSNP rs769042038, ClinGen allele CA9732038.
Genomic context (GRCh38, chr20:2,403,790, plus strand): 5'-TCAAACACGAAGAAGATTGGGAGATGCATCAGCACCAAGGCGGTGGGCAGTGACTCCCGC[G>A]TGGACATCACTGACCTCTACAAGTATCCGGAAGGTAAGGGCCACATGGCGGCCTTTATTA-3'
Protein context (NP_945345.2, residues 425-445): STKAVGSDSR[Val435Met]DITDLYKYPE